The following is an entry in ClinVar:

ClinVar aggregate classification (germline): Uncertain significance (1 of 4 stars; one submission).

Conditions:
Immunodeficiency due to CD25 deficiency. Also called: CD25 DEFICIENCY; IMMUNODEFICIENCY 41 WITH LYMPHOPROLIFERATION AND AUTOIMMUNITY; IL2RA DEFICIENCY. Identifiers: Orphanet 169100, MedGen C1853392, MONDO:0011664, OMIM 606367.

gnomAD v4.1: 9 of 1,614,118 alleles (0.00056%); highest among the groups gnomAD compares: Admixed American, 0.0083%; no homozygotes.

Submission:

Labcorp Genetics (formerly Invitae), Labcorp
Classification: Uncertain significance for Immunodeficiency due to CD25 deficiency. Last evaluated: 2024-10-01. Review status: criteria provided, single submitter. Criteria: Invitae Variant Classification Sherloc (09022015). Collection method: clinical testing. Allele origin: germline.
Comment: This sequence change replaces arginine, which is basic and polar, with lysine, which is basic and polar, at codon 176 of the IL2RA protein (p.Arg176Lys). This variant is present in population databases (rs55841382, gnomAD 0.01%). This variant has not been reported in the literature in individuals affected with IL2RA-related conditions. Invitae Evidence Modeling of protein sequence and biophysical properties (such as structural, functional, and spatial information, amino acid conservation, physicochemical variation, residue mobility, and thermodynamic stability) indicates that this missense variant is not expected to disrupt IL2RA protein function with a negative predictive value of 80%. In summary, the available evidence is currently insufficient to determine the role of this variant in disease. Therefore, it has been classified as a Variant of Uncertain Significance.

NM_000417.3(IL2RA):c.527G>A (p.Arg176Lys)

Gene: IL2RA (interleukin 2 receptor subunit alpha; minus strand). Cytogenetic location: 10p15.1.
Variant type: single nucleotide variant.
Coding change: c.527G>A on transcript NM_000417.3 (MANE Select); coding-DNA position 527, G replaced by A.
Protein change: p.Arg176Lys; replaces arginine 176 with lysine.
Molecular consequence: missense variant. On other transcripts: intron variant (2).
Genome position (GRCh38, 1-based): chr10:6,021,534, C>T on the plus strand (G>A on the coding strand, the complement: IL2RA is on the minus strand). VCF-style: chr10-6021534-C-T. GRCh37 (hg19) VCF-style: chr10-6063497-C-T.
Other names: c.368-2035G>A (NM_001308243.2); c.368-1593G>A (NM_001308242.2); short protein forms R176K.
Identifiers: ClinVar variation 3711882 (VCV003711882.2).